The following is an entry in ClinVar:

ClinVar aggregate classification (germline): Uncertain significance (1 of 4 stars; one submission).

gnomAD v4.1: 1 of 1,614,114 alleles (0.000062%); highest among the groups gnomAD compares: Non-Finnish European, 0.000085%; no homozygotes.

Submission:

Labcorp Genetics (formerly Invitae), Labcorp
Classification: Uncertain significance. Last evaluated: 2024-03-27. Review status: criteria provided, single submitter. Criteria: Invitae Variant Classification Sherloc (09022015). Collection method: clinical testing. Allele origin: germline.
Comment: This sequence change replaces proline, which is neutral and non-polar, with serine, which is neutral and polar, at codon 194 of the CSGALNACT1 protein (p.Pro194Ser). This variant is present in population databases (rs772136135, gnomAD 0.0009%). This variant has not been reported in the literature in individuals affected with CSGALNACT1-related conditions. Advanced modeling of protein sequence and biophysical properties (such as structural, functional, and spatial information, amino acid conservation, physicochemical variation, residue mobility, and thermodynamic stability) has been performed at Invitae for this missense variant, however the output from this modeling did not meet the statistical confidence thresholds required to predict the impact of this variant on CSGALNACT1 protein function. In summary, the available evidence is currently insufficient to determine the role of this variant in disease. Therefore, it has been classified as a Variant of Uncertain Significance.

NM_001354483.2(CSGALNACT1):c.580C>T (p.Pro194Ser)

Gene: CSGALNACT1 (chondroitin sulfate N-acetylgalactosaminyltransferase 1; minus strand). Cytogenetic location: 8p21.3.
Variant type: single nucleotide variant.
Coding change: c.580C>T on transcript NM_001354483.2 (MANE Select); coding-DNA position 580, C replaced by T.
Protein change: p.Pro194Ser; replaces proline 194 with serine.
Molecular consequence: missense variant. On other transcripts: non-coding transcript variant (7).
Genome position (GRCh38, 1-based): chr8:19,505,255, G>A on the plus strand (C>T on the coding strand, the complement: CSGALNACT1 is on the minus strand). VCF-style: chr8-19505255-G-A. GRCh37 (hg19) VCF-style: chr8-19362766-G-A.
Other names: c.580C>T, p.Pro194Ser (NM_001130518.2, NM_001354475.2, NM_001354476.2 and 18 more transcripts); short protein forms P194S.
Identifiers: ClinVar variation 3646831 (VCV003646831.2).